The following is an entry in ClinVar:

ClinVar aggregate classification (germline): Uncertain significance (1 of 4 stars; one submission).

gnomAD v4.1: 3 of 1,614,128 alleles (0.00019%); highest among the groups gnomAD compares: South Asian, 0.0033%; no homozygotes.

Submission:

Labcorp Genetics (formerly Invitae), Labcorp
Classification: Uncertain significance. Last evaluated: 2024-08-23. Review status: criteria provided, single submitter. Criteria: Invitae Variant Classification Sherloc (09022015). Collection method: clinical testing. Allele origin: germline.
Comment: This sequence change replaces glutamine, which is neutral and polar, with arginine, which is basic and polar, at codon 1072 of the CEP250 protein (p.Gln1072Arg). This variant is present in population databases (no rsID available, gnomAD 0.003%). This variant has not been reported in the literature in individuals affected with CEP250-related conditions. An algorithm developed to predict the effect of missense changes on protein structure and function (PolyPhen-2) suggests that this variant is likely to be tolerated. In summary, the available evidence is currently insufficient to determine the role of this variant in disease. Therefore, it has been classified as a Variant of Uncertain Significance.

NM_007186.6(CEP250):c.3215A>G (p.Gln1072Arg)

Gene: CEP250 (centrosomal protein 250; plus strand). Cytogenetic location: 20q11.22.
Variant type: single nucleotide variant.
Coding change: c.3215A>G on transcript NM_007186.6 (MANE Select); coding-DNA position 3215, A replaced by G.
Protein change: p.Gln1072Arg; replaces glutamine 1072 with arginine.
Molecular consequence: missense variant.
Genome position (GRCh38, 1-based): chr20:35,496,624, A>G. VCF-style: chr20-35496624-A-G. GRCh37 (hg19) VCF-style: chr20-34084453-A-G.
Other names: c.1319A>G, p.Gln440Arg (NM_001318219.1); short protein forms Q1072R, Q440R.
Identifiers: ClinVar variation 3617634 (VCV003617634.2).
Genomic context (GRCh38, chr20:35,496,624, plus strand): 5'-CCTCTCTTTTTAGCCTGACTCTCTCACTGATGGAAAAGGAACAGAGACTCCTTGTTTTAC[A>G]AGAAGCTGACTCTATTCGACAACAAGAGCTGAGTGCCCTGCGCCAGGACATGCAGGAGGC-3'
Protein context (NP_009117.2, residues 1062-1082): MEKEQRLLVL[Gln1072Arg]EADSIRQQEL